The following is an entry in ClinVar:

ClinVar aggregate classification (germline): Uncertain significance (1 of 4 stars; one submission).

Allele frequency attached by ClinVar (database versions not stated): gnomAD 0.00001; gnomAD exomes 0.00001; TOPMed 0.00001.
gnomAD v4.1: 10 of 1,597,060 alleles (0.00063%); highest among the groups gnomAD compares: Non-Finnish European, 0.00077%; no homozygotes.

Submission:

Labcorp Genetics (formerly Invitae), Labcorp
Classification: Uncertain significance. Last evaluated: 2024-12-04. Review status: criteria provided, single submitter. Criteria: Invitae Variant Classification Sherloc (09022015). Collection method: clinical testing. Allele origin: germline.
Comment: This sequence change replaces lysine, which is basic and polar, with glutamic acid, which is acidic and polar, at codon 1129 of the ITGAM protein (p.Lys1129Glu). This variant is present in population databases (no rsID available, gnomAD 0.002%). This variant has not been reported in the literature in individuals affected with ITGAM-related conditions. ClinVar contains an entry for this variant (Variation ID: 1480854). An algorithm developed to predict the effect of missense changes on protein structure and function (PolyPhen-2) suggests that this variant is likely to be disruptive. In summary, the available evidence is currently insufficient to determine the role of this variant in disease. Therefore, it has been classified as a Variant of Uncertain Significance.

NM_000632.4(ITGAM):c.3385A>G (p.Lys1129Glu)

Gene: ITGAM (integrin subunit alpha M; plus strand). Cytogenetic location: 16p11.2.
Variant type: single nucleotide variant.
Coding change: c.3385A>G on transcript NM_000632.4 (MANE Select); coding-DNA position 3385, A replaced by G.
Protein change: p.Lys1129Glu; replaces lysine 1129 with glutamic acid.
Molecular consequence: missense variant.
Genome position (GRCh38, 1-based): chr16:31,331,273, A>G. VCF-style: chr16-31331273-A-G. GRCh37 (hg19) VCF-style: chr16-31342594-A-G.
Other names: c.3388A>G, p.Lys1130Glu (NM_001145808.2); short protein forms K1129E, K1130E.
Identifiers: ClinVar variation 1480854 (VCV001480854.6), dbSNP rs1312765492, ClinGen allele CA395706911.